The following is an entry in ClinVar:

NM_000937.5(POLR2A):c.3209G>T (p.Gly1070Val)

Gene: POLR2A (RNA polymerase II subunit A; plus strand). Cytogenetic location: 17p13.1.
Variant type: single nucleotide variant.
Coding change: c.3209G>T on transcript NM_000937.5 (MANE Select); coding-DNA position 3209, G replaced by T.
Protein change: p.Gly1070Val; replaces glycine 1070 with valine.
Molecular consequence: missense variant.
Genome position (GRCh38, 1-based): chr17:7,503,760, G>T. VCF-style: chr17-7503760-G-T. GRCh37 (hg19) VCF-style: chr17-7407079-G-T.
Other names: short protein forms G1070V.
Identifiers: ClinVar variation 5016917 (VCV005016917.1).

ClinVar aggregate classification (germline): Uncertain significance (1 of 4 stars; one submission).

Submission:

GeneDx
Classification: Uncertain significance. Last evaluated: 2026-03-24. Review status: criteria provided, single submitter. Criteria: GeneDx Variant Classification Process June 2021. Collection method: clinical testing. Allele origin: germline.
Comment: Not observed at significant frequency in large population cohorts (gnomAD); In silico analysis supports that this missense variant has a deleterious effect on protein structure/function; Has not been previously published as pathogenic or benign to our knowledge.